The following is an entry in ClinVar:

NM_003052.5(SLC34A1):c.1700G>A (p.Gly567Glu)

Gene: SLC34A1 (solute carrier family 34 member 1; plus strand). Cytogenetic location: 5q35.3.
Variant type: single nucleotide variant.
Coding change: c.1700G>A on transcript NM_003052.5 (MANE Select); coding-DNA position 1700, G replaced by A.
Protein change: p.Gly567Glu; replaces glycine 567 with glutamic acid.
Molecular consequence: missense variant.
Genome position (GRCh38, 1-based): chr5:177,398,066, G>A. VCF-style: chr5-177398066-G-A. GRCh37 (hg19) VCF-style: chr5-176825067-G-A.
Other names: short protein forms G567E.
Identifiers: ClinVar variation 949061 (VCV000949061.9), dbSNP rs139804628, ClinGen allele CA3580865.
Genomic context (GRCh38, chr5:177,398,066, plus strand): 5'-CCTTCGGGGCCCTGCTGGCCTTCGTGGTGCTCATCAATGTCCTGCAGAGTCGGAGTCCCG[G>A]GCACCTGCCCAAGTGGTTACAGACATGGGACTTCCTGCCTCGCTGGATGCACTCCCTGAA-3'
Protein context (NP_003043.3, residues 557-577): LINVLQSRSP[Gly567Glu]HLPKWLQTWD

ClinVar aggregate classification (germline): Uncertain significance. Review status: criteria provided, multiple submitters, no conflicts (2 of 4 stars). 3 submissions from 3 submitters: Uncertain significance (3). Last evaluated 2024-09-27.

Conditions:
Hypercalcemia, infantile, 2 (HCINF2). Identifiers: Orphanet 300547, MedGen C4310473, MONDO:0014851, OMIM 616963.
Hypophosphatemic nephrolithiasis/osteoporosis 1. Identifiers: Orphanet 244305, MedGen C2676786, MONDO:0012850, OMIM 612286.
Fanconi renotubular syndrome 2 (FRTS2). Identifiers: MedGen C3150652, MONDO:0013247, OMIM 613388.
Inborn genetic diseases. Identifiers: MedGen C0950123, MeSH D030342.

Allele frequency attached by ClinVar (database versions not stated): gnomAD exomes 0.00002 and 0.00005; ExAC 0.00007; ESP Exome Variant Server 0.00015; gnomAD 0.00022 and 0.00025; TOPMed 0.00023.

Submissions (3):

Ambry Genetics
Classification: Uncertain significance for Inborn genetic diseases. Last evaluated: 2024-09-27. Review status: criteria provided, single submitter. Criteria: Ambry Variant Classification Scheme 2023. Collection method: clinical testing. Allele origin: germline.

Fulgent Genetics
Classification: Uncertain significance for Hypophosphatemic nephrolithiasis/osteoporosis 1; Fanconi renotubular syndrome 2; Hypercalcemia, infantile, 2. Last evaluated: 2024-06-06. Review status: criteria provided, single submitter. Criteria: ACMG Guidelines, 2015. Collection method: clinical testing. Allele origin: germline.

Labcorp Genetics (formerly Invitae), Labcorp
Classification: Uncertain significance. Last evaluated: 2022-08-05. Review status: criteria provided, single submitter. Criteria: Invitae Variant Classification Sherloc (09022015). Collection method: clinical testing. Allele origin: germline.
Comment: This sequence change replaces glycine, which is neutral and non-polar, with glutamic acid, which is acidic and polar, at codon 567 of the SLC34A1 protein (p.Gly567Glu). This variant is present in population databases (rs139804628, gnomAD 0.07%). This variant has not been reported in the literature in individuals affected with SLC34A1-related conditions. ClinVar contains an entry for this variant (Variation ID: 949061). Algorithms developed to predict the effect of missense changes on protein structure and function (SIFT, PolyPhen-2, Align-GVGD) all suggest that this variant is likely to be tolerated. In summary, the available evidence is currently insufficient to determine the role of this variant in disease. Therefore, it has been classified as a Variant of Uncertain Significance.